The following is an entry in ClinVar:

NM_144969.3(ZDHHC15):c.361A>G (p.Thr121Ala)

Gene: ZDHHC15 (zDHHC palmitoyltransferase 15; minus strand). Cytogenetic location: Xq13.3.
Variant type: single nucleotide variant.
Coding change: c.361A>G on transcript NM_144969.3 (MANE Select); coding-DNA position 361, A replaced by G.
Protein change: p.Thr121Ala; replaces threonine 121 with alanine.
Molecular consequence: missense variant.
Genome position (GRCh38, 1-based): chrX:75,450,820, T>C on the plus strand (A>G on the coding strand, the complement: ZDHHC15 is on the minus strand). VCF-style: chrX-75450820-T-C. GRCh37 (hg19) VCF-style: chrX-74670655-T-C.
Other names: c.334A>G, p.Thr112Ala (NM_001146256.2, NM_001146257.2); short protein forms T112A, T121A.
Identifiers: ClinVar variation 2660947 (VCV002660947.24), dbSNP rs2520125756, ClinGen allele CA413680466.
Genomic context (GRCh38, chrX:75,450,820, plus strand): 5'-ACTTGCTGAGCTGCCTCTCTAGCTGCCTTTGGATGAACTGACCTCCACTTCCAGTTCTTG[T>C]GTAAACCGGTAGCTTTTTGGCCATATCAACAAGCATCTGCTTCTGGACCTCAGGTCTTTC-3'
Protein context (NP_659406.1, residues 111-131): VDMAKKLPVY[Thr121Ala]RTGSGAVRFC

ClinVar aggregate classification (germline): Uncertain significance (1 of 4 stars; one submission).

Allele frequency attached by ClinVar (database versions not stated): gnomAD exomes below 0.00001.
gnomAD v4.1: 1 of 1,211,111 alleles (0.000083%); highest among the groups gnomAD compares: Non-Finnish European, 0.00011%; no homozygotes.

Submission:

CeGaT Center for Human Genetics Tuebingen
Classification: Uncertain significance. Last evaluated: 2023-05-01. Review status: criteria provided, single submitter. Criteria: CeGaT Center For Human Genetics Tuebingen Variant Classification Criteria Version 2. Collection method: clinical testing. Allele origin: germline. Affected: yes. Observed: 1 variant allele.
Comment: ZDHHC15: PM2